The following is an entry in ClinVar:

NM_002907.4(RECQL):c.1145A>G (p.Asp382Gly)

Gene: RECQL (RecQ like helicase; minus strand). Cytogenetic location: 12p12.1.
Variant type: single nucleotide variant.
Coding change: c.1145A>G on transcript NM_002907.4 (MANE Select); coding-DNA position 1145, A replaced by G.
Protein change: p.Asp382Gly; replaces aspartic acid 382 with glycine.
Molecular consequence: missense variant.
Genome position (GRCh38, 1-based): chr12:21,475,539, T>C on the plus strand (A>G on the coding strand, the complement: RECQL is on the minus strand). VCF-style: chr12-21475539-T-C. GRCh37 (hg19) VCF-style: chr12-21628473-T-C.
Other names: c.1145A>G, p.Asp382Gly (NM_032941.3); short protein forms D382G.
Identifiers: ClinVar variation 1732305 (VCV001732305.9), dbSNP rs760733648, ClinGen allele CA6478843.
Genomic context (GRCh38, chr12:21,475,539, plus strand): 5'-CTCTCTTGGTAATAATTTTCCATGGATTTACTCATTGAATGATGGATAACAAACCTCACA[T>C]CTGGCTTATCAATTCCCATACCAAATGCAACAGTTGCCACTACTACCTGAAATATTTTAA-3'
Protein context (NP_002898.2, residues 372-392): VAFGMGIDKP[Asp382Gly]VRFVIHHSMS

ClinVar aggregate classification (germline): Uncertain significance. Review status: criteria provided, multiple submitters, no conflicts (2 of 4 stars). 3 submissions from 3 submitters: Uncertain significance (3). Last evaluated 2025-12-22.

Allele frequency attached by ClinVar (database versions not stated): gnomAD 0.00001; TOPMed 0.00001; ExAC 0.00002.

Submissions (3):

Labcorp Genetics (formerly Invitae), Labcorp
Classification: Uncertain significance. Last evaluated: 2025-12-22. Review status: criteria provided, single submitter. Criteria: Invitae Variant Classification Sherloc (09022015). Collection method: clinical testing. Allele origin: germline.
Comment: This sequence change replaces aspartic acid, which is acidic and polar, with glycine, which is neutral and non-polar, at codon 382 of the RECQL protein (p.Asp382Gly). This variant is present in population databases (rs760733648, gnomAD 0.004%). This variant has not been reported in the literature in individuals affected with RECQL-related conditions. ClinVar contains an entry for this variant (Variation ID: 1732305). Invitae Evidence Modeling of protein sequence and biophysical properties (such as structural, functional, and spatial information, amino acid conservation, physicochemical variation, residue mobility, and thermodynamic stability) has been performed for this missense variant. However, the output from this modeling did not meet the statistical confidence thresholds required to predict the impact of this variant on RECQL protein function. In summary, the available evidence is currently insufficient to determine the role of this variant in disease. Therefore, it has been classified as a Variant of Uncertain Significance.

Ambry Genetics
Classification: Uncertain significance. Last evaluated: 2024-10-29. Review status: criteria provided, single submitter. Criteria: Ambry Variant Classification Scheme 2023. Collection method: clinical testing. Allele origin: germline.
Comment: The p.D382G variant (also known as c.1145A>G), located in coding exon 9 of the RECQL gene, results from an A to G substitution at nucleotide position 1145. The aspartic acid at codon 382 is replaced by glycine, an amino acid with similar properties. This amino acid position is highly conserved in available vertebrate species. In addition, this alteration is predicted to be deleterious by in silico analysis. Since supporting evidence is limited at this time, the clinical significance of this alteration remains unclear.

Quest Diagnostics Nichols Institute San Juan Capistrano
Classification: Uncertain significance. Last evaluated: 2023-11-07. Review status: criteria provided, single submitter. Criteria: Quest Diagnostics criteria. Collection method: clinical testing. Allele origin: unknown.
Comment: The RECQL c.1145A>G (p.Asp382Gly) variant has been reported in the published literature in an unaffected individual (PMID: 32546565 (2021)). The frequency of this variant in the general population, 0.000035 (4/113342 chromosomes (Genome Aggregation Database)), is uninformative in the assessment of its pathogenicity. Analysis of this variant using bioinformatics tools for the prediction of the effect of amino acid changes on protein structure and function yielded predictions that this variant is damaging. Additional analysis using software algorithms for the prediction of the effect of nucleotide changes on RECQL mRNA splicing yielded predictions that this variant may result in the gain of a cryptic splice site without affecting the natural splice sites. Based on the available information, we are unable to determine the clinical significance of this variant.

Literature cited by the submitters: PubMed 32546565 (cited by Quest Diagnostics Nichols Institute San Juan Capistrano).